The following is an entry in ClinVar:

ClinVar aggregate classification (germline): Uncertain significance (1 of 4 stars; one submission).

Submission:

Labcorp Genetics (formerly Invitae), Labcorp
Classification: Uncertain significance. Last evaluated: 2023-11-18. Review status: criteria provided, single submitter. Criteria: Invitae Variant Classification Sherloc (09022015). Collection method: clinical testing. Allele origin: germline.
Comment: This sequence change replaces glycine, which is neutral and non-polar, with serine, which is neutral and polar, at codon 24 of the RALA protein (p.Gly24Ser). This variant is not present in population databases (gnomAD no frequency). This variant has not been reported in the literature in individuals affected with RALA-related conditions. Advanced modeling of protein sequence and biophysical properties (such as structural, functional, and spatial information, amino acid conservation, physicochemical variation, residue mobility, and thermodynamic stability) performed at Invitae indicates that this missense variant is expected to disrupt RALA protein function with a positive predictive value of 95%. In summary, the available evidence is currently insufficient to determine the role of this variant in disease. Therefore, it has been classified as a Variant of Uncertain Significance.

NM_005402.4(RALA):c.70G>A (p.Gly24Ser)

Gene: RALA (RAS like proto-oncogene A; plus strand). Cytogenetic location: 7p14.1.
Variant type: single nucleotide variant.
Coding change: c.70G>A on transcript NM_005402.4 (MANE Select); coding-DNA position 70, G replaced by A.
Protein change: p.Gly24Ser; replaces glycine 24 with serine.
Molecular consequence: missense variant.
Genome position (GRCh38, 1-based): chr7:39,686,737, G>A. VCF-style: chr7-39686737-G-A. GRCh37 (hg19) VCF-style: chr7-39726336-G-A.
Other names: short protein forms G24S.
Identifiers: ClinVar variation 2697078 (VCV002697078.3), dbSNP rs2534034001, ClinGen allele CA367304549.